The following is an entry in ClinVar:

ClinVar aggregate classification (germline): Likely pathogenic (1 of 4 stars; one submission).

Conditions:
Propionic acidemia (PROP). Also called: GLYCINEMIA, KETOTIC; HYPERGLYCINEMIA WITH KETOACIDOSIS AND LEUKOPENIA; KETOTIC HYPERGLYCINEMIA. Identifiers: Orphanet 35, MedGen C0268579, MONDO:0011628, OMIM 606054, HP:0003571.

Submission:

Labcorp Genetics (formerly Invitae), Labcorp
Classification: Likely pathogenic for Propionic acidemia. Last evaluated: 2022-11-29. Review status: criteria provided, single submitter. Criteria: Invitae Variant Classification Sherloc (09022015). Collection method: clinical testing. Allele origin: germline.
Comment: In summary, the currently available evidence indicates that the variant is pathogenic, but additional data are needed to prove that conclusively. Therefore, this variant has been classified as Likely Pathogenic. This variant disrupts the p.Val205 amino acid residue in PCCB. Other variant(s) that disrupt this residue have been determined to be pathogenic (PMID: 10447268, 12007220, 12757933). This suggests that this residue is clinically significant, and that variants that disrupt this residue are likely to be disease-causing. Advanced modeling of protein sequence and biophysical properties (such as structural, functional, and spatial information, amino acid conservation, physicochemical variation, residue mobility, and thermodynamic stability) performed at Invitae indicates that this missense variant is expected to disrupt PCCB protein function. This variant has not been reported in the literature in individuals affected with PCCB-related conditions. This variant is not present in population databases (gnomAD no frequency). This sequence change replaces valine, which is neutral and non-polar, with glycine, which is neutral and non-polar, at codon 205 of the PCCB protein (p.Val205Gly).

Literature cited by the submitters: PubMed 10447268; PubMed 12007220; PubMed 12757933.

NM_000532.5(PCCB):c.614T>G (p.Val205Gly)

Gene: PCCB (propionyl-CoA carboxylase subunit beta; plus strand). Cytogenetic location: 3q22.3.
Variant type: single nucleotide variant.
Coding change: c.614T>G on transcript NM_000532.5 (MANE Select); coding-DNA position 614, T replaced by G.
Protein change: p.Val205Gly; replaces valine 205 with glycine.
Molecular consequence: missense variant.
Genome position (GRCh38, 1-based): chr3:136,283,907, T>G. VCF-style: chr3-136283907-T-G. GRCh37 (hg19) VCF-style: chr3-136002749-T-G.
Other names: c.674T>G, p.Val225Gly (NM_001178014.2); short protein forms V225G, V205G.
Identifiers: ClinVar variation 2892091 (VCV002892091.3), dbSNP rs1303129574, ClinGen allele CA354641905.
Genomic context (GRCh38, chr3:136,283,907, plus strand): 5'-CGGCATCCGGAGTCATCCCTCAGATTTCTCTGATCATGGGCCCATGTGCTGGTGGGGCCG[T>G]CTACTCCCCAGCCCTAACAGACTTCACGTTCATGGTAAAGGTAAGAAAGAAGGGCCTGTT-3'
Protein context (NP_000523.2, residues 195-215): LIMGPCAGGA[Val205Gly]YSPALTDFTF